The following continues an entry in ClinVar:

NM_001267550.2(TTN):c.89426G>A (p.Arg29809Gln)

ClinVar aggregate classification (germline): Conflicting classifications of pathogenicity. Uncertain significance (9); Benign (3); Likely benign (7).

Submissions 15 to 24 of 24:

Illumina Laboratory Services, Illumina
Classification: Uncertain significance for Dilated cardiomyopathy 1G. Last evaluated: 2018-01-12. Review status: criteria provided, single submitter. Criteria: ICSL Variant Classification Criteria 13 December 2019. Collection method: clinical testing. Allele origin: germline.

Illumina Laboratory Services, Illumina
Classification: Uncertain significance for Early-onset myopathy with fatal cardiomyopathy. Last evaluated: 2018-01-12. Review status: criteria provided, single submitter. Criteria: ICSL Variant Classification Criteria 13 December 2019. Collection method: clinical testing. Allele origin: germline.

Athena Diagnostics
Classification: Uncertain significance. Last evaluated: 2017-11-30. Review status: criteria provided, single submitter. Criteria: Athena Diagnostics Criteria. Collection method: clinical testing. Allele origin: germline.

Laboratory for Molecular Medicine, Mass General Brigham Personalized Medicine
Classification: Likely benign. Last evaluated: 2015-05-07. Review status: criteria provided, single submitter. Criteria: LMM Criteria. Collection method: clinical testing. Allele origin: germline. Observed: 3 variant alleles.
Comment: p.Arg27241Gln in exon 283 of TTN: This variant is not expected to have clinical significance due to a lack of conservation across species, including mammals. Of note, >10 mammals have a glutamine (Gln) at this position despite high nearby a mino acid conservation. It has been identified in 0.1% (60/66668) of European ch romosomes by the Exome Aggregation Consortium (ExAC. org; dbSNP rs72648238).

Biesecker Lab/Clinical Genomics Section, National Institutes of Health
Classification: Uncertain significance. Last evaluated: 2013-06-24. Review status: criteria provided, single submitter. Criteria: Ng et al. (Circ Cardiovasc Genet. 2013). Collection method: research. Allele origin: unknown. Observed: 1 variant allele. Study: ClinSeq.
Comment: The study set was not selected for affection status in relation to any cancer. Pathogenicity categories were based on literature curation. See Pubmed ID:23861362 for details.

Medical sequencing

PreventionGenetics, part of Exact Sciences
Classification: Likely benign for TTN-related condition. Last evaluated: 2024-07-29. Review status: no assertion criteria provided. Collection method: clinical testing. Allele origin: germline. Not counted in ClinVar's aggregate classification.
Comment: This variant is classified as likely benign based on ACMG/AMP sequence variant interpretation guidelines (Richards et al. 2015 PMID: 25741868, with internal and published modifications).

Clinical Genetics DNA and cytogenetics Diagnostics Lab, Erasmus MC, Erasmus Medical Center
Classification: Likely benign. Review status: no assertion criteria provided. Collection method: clinical testing. Allele origin: germline. Affected: yes. Study: VKGL Data-share Consensus. Not counted in ClinVar's aggregate classification.

Clinical Genetics, Academic Medical Center
Classification: Likely benign. Review status: no assertion criteria provided. Collection method: clinical testing. Allele origin: germline. Affected: yes. Study: VKGL Data-share Consensus. Not counted in ClinVar's aggregate classification.

Diagnostic Laboratory, Department of Genetics, University Medical Center Groningen
Classification: Likely benign. Review status: no assertion criteria provided. Collection method: clinical testing. Allele origin: germline. Affected: yes. Study: VKGL Data-share Consensus. Not counted in ClinVar's aggregate classification.

Joint Genome Diagnostic Labs from Nijmegen and Maastricht, Radboudumc and MUMC+
Classification: Likely benign. Review status: no assertion criteria provided. Collection method: clinical testing. Allele origin: germline. Affected: yes. Study: VKGL Data-share Consensus. Not counted in ClinVar's aggregate classification.

Literature cited by the submitters: PubMed 23396983 (cited by Women's Health and Genetics/Laboratory Corporation of America, LabCorp); PubMed 28045975 (cited by Women's Health and Genetics/Laboratory Corporation of America, LabCorp).